The following is an entry in ClinVar:

NM_000135.4(FANCA):c.91A>C (p.Lys31Gln)

Gene: FANCA (FA complementation group A; minus strand). Cytogenetic location: 16q24.3.
Variant type: single nucleotide variant.
Coding change: c.91A>C on transcript NM_000135.4 (MANE Select); coding-DNA position 91, A replaced by C.
Protein change: p.Lys31Gln; replaces lysine 31 with glutamine.
Molecular consequence: missense variant.
Genome position (GRCh38, 1-based): chr16:89,815,975, T>G on the plus strand (A>C on the coding strand, the complement: FANCA is on the minus strand). VCF-style: chr16-89815975-T-G. GRCh37 (hg19) VCF-style: chr16-89882383-T-G.
Other names: c.91A>C, p.Lys31Gln (NM_001018112.3, NM_001286167.3, NM_001351830.2); short protein forms K31Q.
Identifiers: ClinVar variation 4022146 (VCV004022146.5).
Genomic context (GRCh38, chr16:89,815,975, plus strand): 5'-GGAGGCGCACAGCTGATTCCTTTAATTTCTGTGCCCTTTCAGGATTATATTTTTCCCTCT[T>G]GACCCTTCCCGCTACGGAGAGAAGTCGGTTCGAAACCATCACAGCACAATTCACACACGG-3'
Protein context (NP_000126.2, residues 21-41): AWAELLAGRV[Lys31Gln]REKYNPERAQ

ClinVar aggregate classification (germline): Uncertain significance. Review status: criteria provided, multiple submitters, no conflicts (2 of 4 stars). 2 submissions from 2 submitters: Uncertain significance (2). Last evaluated 2026-01-01.

Conditions:
Inborn genetic diseases. Identifiers: MedGen C0950123, MeSH D030342.

Submissions (2):

CeGaT Center for Human Genetics Tuebingen
Classification: Uncertain significance. Last evaluated: 2026-01-01. Review status: criteria provided, single submitter. Criteria: CeGaT Center For Human Genetics Tuebingen Variant Classification Criteria Version 2. Collection method: clinical testing. Allele origin: germline. Affected: yes. Observed: 1 variant allele.
Comment: FANCA: PM2

Ambry Genetics
Classification: Uncertain significance for Inborn genetic diseases. Last evaluated: 2025-04-03. Review status: criteria provided, single submitter. Criteria: Ambry Variant Classification Scheme 2023. Collection method: clinical testing. Allele origin: germline.
Comment: The p.K31Q variant (also known as c.91A>C), located in coding exon 2 of the FANCA gene, results from an A to C substitution at nucleotide position 91. The lysine at codon 31 is replaced by glutamine, an amino acid with similar properties. This amino acid position is conserved. In addition, this alteration is predicted to be tolerated by in silico analysis. Based on the available evidence, the clinical significance of this variant remains unclear.